The following is an entry in ClinVar:

NM_001042492.3(NF1):c.2325+16C>G

Gene: NF1 (neurofibromin 1; plus strand). Cytogenetic location: 17q11.2.
Variant type: single nucleotide variant.
Coding change: c.2325+16C>G on transcript NM_001042492.3 (MANE Select); 16 bases into the intron after coding-DNA position 2325, C replaced by G.
Molecular consequence: intron variant.
Genome position (GRCh38, 1-based): chr17:31,227,307, C>G. VCF-style: chr17-31227307-C-G. GRCh37 (hg19) VCF-style: chr17-29554325-C-G.
Other names: c.2325+16C>G (NM_000267.4).
Identifiers: ClinVar variation 512450 (VCV000512450.10), dbSNP rs371709563, ClinGen allele CA8485947.
Genomic context (GRCh38, chr17:31,227,307, plus strand): 5'-GCACTGCTGAGGCGCATTGAGCATCCCACTGCAGGAAACACTGAGGTATGCCCTTAGCAA[C>G]AGAAACACCCCTCCCAGGCGCCCACCCTCAATTTGGAAGCCTCTTGTTACATATGTGTGA-3'

ClinVar aggregate classification (germline): Likely benign. Review status: criteria provided, multiple submitters, no conflicts (2 of 4 stars). 5 submissions from 5 submitters: Likely benign (5). Last evaluated 2026-02-02.

Conditions:
Neurofibromatosis, type 1 (NF1). Also called: VON RECKLINGHAUSEN DISEASE; NEUROFIBROMATOSIS, TYPE I, SOMATIC; Peripheral type neurofibromatosis; Neurofibromatosis, type I. Identifiers: Orphanet 636, MedGen C0027831, MONDO:0018975, OMIM 162200. Disease mechanism: loss of function.

Allele frequency attached by ClinVar (database versions not stated): ExAC 0.00005; gnomAD exomes 0.00005 and 0.00012; TOPMed 0.00008; gnomAD 0.00009; ESP Exome Variant Server 0.00023.
gnomAD v4.1: 185 of 1,612,866 alleles (0.011%); highest among the groups gnomAD compares: Non-Finnish European, 0.015%; no homozygotes.

Submissions (5):

Labcorp Genetics (formerly Invitae), Labcorp
Classification: Likely benign for Neurofibromatosis, type 1. Last evaluated: 2026-02-02. Review status: criteria provided, single submitter. Criteria: Invitae Variant Classification Sherloc (09022015). Collection method: clinical testing. Allele origin: germline.

Blueprint Genetics
Classification: Likely benign. Last evaluated: 2024-10-21. Review status: criteria provided, single submitter. Criteria: ACMG Guidelines, 2015. Collection method: clinical testing. Allele origin: germline.

Genome-Nilou Lab
Classification: Likely benign for Neurofibromatosis, type 1. Last evaluated: 2022-03-15. Review status: criteria provided, single submitter. Criteria: ACMG Guidelines, 2015. Collection method: clinical testing. Allele origin: germline. Affected: no.

Athena Diagnostics
Classification: Likely benign. Last evaluated: 2019-07-23. Review status: criteria provided, single submitter. Criteria: Athena Diagnostics Criteria. Collection method: clinical testing. Allele origin: germline.

GeneDx
Classification: Likely benign. Last evaluated: 2017-10-03. Review status: criteria provided, single submitter. Criteria: GeneDx Variant Classification (06012015). Collection method: clinical testing. Allele origin: germline. Affected: yes.
Comment: This variant is considered likely benign or benign based on one or more of the following criteria: it is a conservative change, it occurs at a poorly conserved position in the protein, it is predicted to be benign by multiple in silico algorithms, and/or has population frequency not consistent with disease.